The following is an entry in ClinVar:

NM_033064.5(ATCAY):c.822G>A (p.Ser274=)

Gene: ATCAY (ATCAY kinesin light chain interacting caytaxin; plus strand). Cytogenetic location: 19p13.3.
Variant type: single nucleotide variant.
Coding change: c.822G>A on transcript NM_033064.5 (MANE Select); coding-DNA position 822, G replaced by A.
Protein change: p.Ser274=; no amino-acid change (serine 274 retained).
Molecular consequence: synonymous variant.
Genome position (GRCh38, 1-based): chr19:3,910,845, G>A. VCF-style: chr19-3910845-G-A. GRCh37 (hg19) VCF-style: chr19-3910843-G-A.
Identifiers: ClinVar variation 742206 (VCV000742206.10), dbSNP rs372306459, ClinGen allele CA9087334.
Genomic context (GRCh38, chr19:3,910,845, plus strand): 5'-CTTTGCGGCCCCACACAGGTTGCGGAAAAACCTGAAGTCCTTGATCATCGTCCACCCCTC[G>A]TGGTTCATTCGGACTGTGCTGGCCATCTCTCGCCCTTTCATCAGGTGAGACGGGGAGGCT-3'
Protein context (NP_149053.1, residues 264-284): NLKSLIIVHP[Ser274=]WFIRTVLAIS

ClinVar aggregate classification (germline): Likely benign. Review status: criteria provided, multiple submitters, no conflicts (2 of 4 stars). 2 submissions from 2 submitters: Likely benign (2). Last evaluated 2025-03-01.

Allele frequency attached by ClinVar (database versions not stated): gnomAD exomes 0.00002 and 0.00004; gnomAD 0.00003 and 0.00004; ExAC 0.00004; TOPMed 0.00004; ESP Exome Variant Server 0.00008.
gnomAD v4.1: 33 of 1,613,868 alleles (0.002%); highest among the groups gnomAD compares: South Asian, 0.0055%; no homozygotes.

Submissions (2):

CeGaT Center for Human Genetics Tuebingen
Classification: Likely benign. Last evaluated: 2025-03-01. Review status: criteria provided, single submitter. Criteria: CeGaT Center For Human Genetics Tuebingen Variant Classification Criteria Version 2. Collection method: clinical testing. Allele origin: germline. Affected: yes. Observed: 1 variant allele.
Comment: ATCAY: BP4, BP7

Labcorp Genetics (formerly Invitae), Labcorp
Classification: Likely benign. Last evaluated: 2018-05-02. Review status: criteria provided, single submitter. Criteria: Invitae Variant Classification Sherloc (09022015). Collection method: clinical testing. Allele origin: germline.